The following is an entry in ClinVar:

NM_005228.5(EGFR):c.2361_2364delinsACTT (p.Gln787_Leu788=)

Genes: EGFR (epidermal growth factor receptor; plus strand), EGFR-AS1 (EGFR antisense RNA 1; minus strand). Cytogenetic location: 7p11.2.
Variant type: Indel.
Coding change: c.2361_2364delinsACTT on transcript NM_005228.5 (MANE Select); coding-DNA positions 2361 to 2364, GCTC replaced by ACTT.
Protein change: p.Gln787_Leu788=.
Molecular consequence: synonymous variant. On other transcripts: non-coding transcript variant (1).
Genome position (GRCh38, 1-based): chr7:55,181,370-55,181,373, GCTC replaced by ACTT. VCF-style: chr7-55181370-GCTC-ACTT. GRCh37 (hg19) VCF-style: chr7-55249063-GCTC-ACTT.
Other names: c.2226_2229delinsACTT, p.Gln742_Leu743= (NM_001346897.2, NM_001346899.2); c.2361_2364delinsACTT, p.Gln787_Leu788= (NM_001346898.2); c.2202_2205delinsACTT, p.Gln734_Leu735= (NM_001346900.2); c.1560_1563delinsACTT, p.Gln520_Leu521= (NM_001346941.2).
Identifiers: ClinVar variation 3773226 (VCV003773226.1).

ClinVar aggregate classification (germline): Benign (1 of 4 stars; one submission).

Conditions:
Lung cancer. Also called: Lung cancer, somatic; Malignant tumor of lung. Identifiers: MedGen C0242379, MONDO:0008903, OMIM 211980.

Submission:

Myriad Genetics, Inc.
Classification: Benign for Lung cancer. Last evaluated: 2024-10-16. Review status: criteria provided, single submitter. Criteria: Myriad Autosomal Dominant, Autosomal Recessive and X-Linked Classification Criteria (2023). Collection method: clinical testing. Allele origin: unknown.
Comment: This variant is considered benign. This variant is a silent/synonymous amino acid change and it is not expected to impact splicing.